The following is an entry in ClinVar:

NM_030665.4(RAI1):c.2894C>T (p.Ser965Phe)

Gene: RAI1 (retinoic acid induced 1; plus strand). Cytogenetic location: 17p11.2.
Variant type: single nucleotide variant.
Coding change: c.2894C>T on transcript NM_030665.4 (MANE Select); coding-DNA position 2894, C replaced by T.
Protein change: p.Ser965Phe; replaces serine 965 with phenylalanine.
Molecular consequence: missense variant.
Genome position (GRCh38, 1-based): chr17:17,795,842, C>T. VCF-style: chr17-17795842-C-T. GRCh37 (hg19) VCF-style: chr17-17699156-C-T.
Other names: short protein forms S965F.
Identifiers: ClinVar variation 1331285 (VCV001331285.6), dbSNP rs2143002450, ClinGen allele CA398552249.
Genomic context (GRCh38, chr17:17,795,842, plus strand): 5'-CTCTGTCACACATGAAGCCAGGTGAAGAGGGGCCTGATGGGGAGCGAGCTCCAGGGGATT[C>T]CACCACCTCGGACGCCTCTCTGGCCCAGAAGCCCAACAAGCCTGCTGTGCCCGAGGCGCC-3'
Protein context (NP_109590.3, residues 955-975): GPDGERAPGD[Ser965Phe]TTSDASLAQK

ClinVar aggregate classification (germline): Uncertain significance. Review status: criteria provided, multiple submitters, no conflicts (2 of 4 stars). 2 submissions from 2 submitters: Uncertain significance (2). Last evaluated 2023-05-16.

Submissions (2):

Labcorp Genetics (formerly Invitae), Labcorp
Classification: Uncertain significance. Last evaluated: 2023-05-16. Review status: criteria provided, single submitter. Criteria: Invitae Variant Classification Sherloc (09022015). Collection method: clinical testing. Allele origin: germline.
Comment: In summary, the available evidence is currently insufficient to determine the role of this variant in disease. Therefore, it has been classified as a Variant of Uncertain Significance. Advanced modeling of protein sequence and biophysical properties (such as structural, functional, and spatial information, amino acid conservation, physicochemical variation, residue mobility, and thermodynamic stability) performed at Invitae indicates that this missense variant is not expected to disrupt RAI1 protein function. ClinVar contains an entry for this variant (Variation ID: 1331285). This variant has not been reported in the literature in individuals affected with RAI1-related conditions. This variant is not present in population databases (gnomAD no frequency). This sequence change replaces serine, which is neutral and polar, with phenylalanine, which is neutral and non-polar, at codon 965 of the RAI1 protein (p.Ser965Phe).

GeneDx
Classification: Uncertain significance. Last evaluated: 2021-07-01. Review status: criteria provided, single submitter. Criteria: GeneDx Variant Classification Process June 2021. Collection method: clinical testing. Allele origin: germline. Affected: yes.
Comment: Not observed at significant frequency in large population cohorts (Lek et al., 2016); In silico analysis supports that this missense variant does not alter protein structure/function; Has not been previously published as pathogenic or benign to our knowledge; This variant is associated with the following publications: (PMID: 27535533)